The following is an entry in ClinVar:

ClinVar aggregate classification (germline): Uncertain significance (1 of 4 stars; one submission).

Allele frequency attached by ClinVar (database versions not stated): ExAC 0.00001; gnomAD exomes 0.00001.
gnomAD v4.1: 3 of 1,613,960 alleles (0.00019%); highest among the groups gnomAD compares: Non-Finnish European, 0.00025%; no homozygotes.

Submission:

Labcorp Genetics (formerly Invitae), Labcorp
Classification: Uncertain significance. Last evaluated: 2022-05-07. Review status: criteria provided, single submitter. Criteria: Invitae Variant Classification Sherloc (09022015). Collection method: clinical testing. Allele origin: germline.
Comment: In summary, the available evidence is currently insufficient to determine the role of this variant in disease. Therefore, it has been classified as a Variant of Uncertain Significance. Algorithms developed to predict the effect of missense changes on protein structure and function are either unavailable or do not agree on the potential impact of this missense change (SIFT: "Deleterious"; PolyPhen-2: "Possibly Damaging"; Align-GVGD: "Class C15"). This variant has not been reported in the literature in individuals affected with NSUN2-related conditions. This variant is present in population databases (rs770977438, gnomAD 0.0009%). This sequence change replaces isoleucine, which is neutral and non-polar, with threonine, which is neutral and polar, at codon 80 of the NSUN2 protein (p.Ile80Thr).

NM_017755.6(NSUN2):c.239T>C (p.Ile80Thr)

Gene: NSUN2 (NOP2/Sun RNA methyltransferase 2; minus strand). Cytogenetic location: 5p15.31.
Variant type: single nucleotide variant.
Coding change: c.239T>C on transcript NM_017755.6 (MANE Select); coding-DNA position 239, T replaced by C.
Protein change: p.Ile80Thr; replaces isoleucine 80 with threonine.
Molecular consequence: missense variant. On other transcripts: non-coding transcript variant (1).
Genome position (GRCh38, 1-based): chr5:6,632,614, A>G on the plus strand (T>C on the coding strand, the complement: NSUN2 is on the minus strand). VCF-style: chr5-6632614-A-G. GRCh37 (hg19) VCF-style: chr5-6632727-A-G.
Other names: c.239T>C, p.Ile80Thr (NM_001193455.2); short protein forms I80T.
Identifiers: ClinVar variation 1951026 (VCV001951026.5), dbSNP rs770977438, ClinGen allele CA3192889.